The following is an entry in ClinVar:

NM_001429.4(EP300):c.3624C>G (p.Ile1208Met)

Gene: EP300 (EP300 lysine acetyltransferase; plus strand). Cytogenetic location: 22q13.2.
Variant type: single nucleotide variant.
Coding change: c.3624C>G on transcript NM_001429.4 (MANE Select); coding-DNA position 3624, C replaced by G.
Protein change: p.Ile1208Met; replaces isoleucine 1208 with methionine.
Molecular consequence: missense variant.
Genome position (GRCh38, 1-based): chr22:41,160,675, C>G. VCF-style: chr22-41160675-C-G. GRCh37 (hg19) VCF-style: chr22-41556679-C-G.
Other names: c.3546C>G, p.Ile1182Met (NM_001362843.2); short protein forms I1182M, I1208M.
Identifiers: ClinVar variation 803699 (VCV000803699.5), dbSNP rs143660871, ClinGen allele CA411696396.

ClinVar aggregate classification (germline): Conflicting classifications of pathogenicity. Review status: criteria provided, conflicting classifications (1 of 4 stars). 3 submissions from 3 submitters: Uncertain significance (2); Likely benign (1). Last evaluated 2024-09-20.

Conditions:
Rubinstein-Taybi syndrome due to EP300 haploinsufficiency. Also called: EP300-Related Rubinstein-Taybi Syndrome; RUBINSTEIN-TAYBI SYNDROME 2. Identifiers: Orphanet 353284, Orphanet 783, MedGen C3150941, MONDO:0013364, OMIM 613684.
Menke-Hennekam syndrome 2 (MKHK2). Identifiers: MedGen C5193035, MONDO:0020769, OMIM 618333.
Colorectal cancer. Also called: Colorectal cancer, somatic; Malignant Colorectal Neoplasm. Identifiers: MedGen C0346629, MONDO:0005575, OMIM 114500.
Rubinstein-Taybi syndrome due to CREBBP mutations (RSTS1). Also called: Rubinstein-Taybi syndrome 1; RUBINSTEIN-TAYBI SYNDROME 1, INCOMPLETE; BROAD THUMBS AND GREAT TOES, CHARACTERISTIC FACIES, AND IMPAIRED INTELLECTUAL DEVELOPMENT; CREBBP-Related Rubinstein-Taybi Syndrome; BROAD THUMB-HALLUX SYNDROME; RUBINSTEIN SYNDROME. Identifiers: Orphanet 353277, Orphanet 783, MedGen C4551859, MONDO:0008393, OMIM 180849.

Submissions (3):

3billion
Classification: Likely benign for Rubinstein-Taybi syndrome due to EP300 haploinsufficiency; Colorectal cancer; Menke-Hennekam syndrome 2. Last evaluated: 2024-09-20. Review status: criteria provided, single submitter. Criteria: ACMG Guidelines, 2015. Collection method: clinical testing. Allele origin: germline. Affected: no.
Comment: The variant was identified in at least one patient who was diagnosed with a different variant in another gene and showed no symptoms related to the gene containing the variant in question.

Labcorp Genetics (formerly Invitae), Labcorp
Classification: Uncertain significance for Rubinstein-Taybi syndrome due to EP300 haploinsufficiency. Last evaluated: 2022-10-20. Review status: criteria provided, single submitter. Criteria: Invitae Variant Classification Sherloc (09022015). Collection method: clinical testing. Allele origin: germline.
Comment: This sequence change replaces isoleucine, which is neutral and non-polar, with methionine, which is neutral and non-polar, at codon 1208 of the EP300 protein (p.Ile1208Met). This variant is not present in population databases (gnomAD no frequency). In summary, the available evidence is currently insufficient to determine the role of this variant in disease. Therefore, it has been classified as a Variant of Uncertain Significance. Advanced modeling of protein sequence and biophysical properties (such as structural, functional, and spatial information, amino acid conservation, physicochemical variation, residue mobility, and thermodynamic stability) performed at Invitae indicates that this missense variant is expected to disrupt EP300 protein function. ClinVar contains an entry for this variant (Variation ID: 803699). This variant has not been reported in the literature in individuals affected with EP300-related conditions.

Mendelics
Classification: Uncertain significance for Rubinstein-Taybi syndrome due to CREBBP mutations. Last evaluated: 2019-05-28. Review status: criteria provided, single submitter. Criteria: Mendelics Assertion Criteria 2017. Collection method: clinical testing. Allele origin: unknown.